The following is an entry in ClinVar:

ClinVar aggregate classification (germline): Uncertain significance (1 of 4 stars; one submission).

Conditions:
Naxos disease (NXD). Also called: PALMOPLANTAR KERATODERMA WITH ARRHYTHMOGENIC RIGHT VENTRICULAR CARDIOMYOPATHY AND WOOLLY HAIR; WOOLLY HAIR, PALMOPLANTAR KERATODERMA, AND CARDIAC ABNORMALITIES; CARDIOMYOPATHY, ARRHYTHMOGENIC RIGHT VENTRICULAR, WITH SKIN, HAIR, AND NAIL ABNORMALITIES; KERATOSIS PALMOPLANTARIS WITH ARRHYTHMOGENIC CARDIOMYOPATHY; MAL DE NAXOS. Identifiers: Orphanet 34217, MedGen C1832600, MONDO:0011017, OMIM 601214.
Arrhythmogenic right ventricular dysplasia 12. Also called: ARRHYTHMOGENIC RIGHT VENTRICULAR DYSPLASIA, FAMILIAL, 12. Identifiers: MedGen C1969081, MONDO:0012684, OMIM 611528.

Submission:

Labcorp Genetics (formerly Invitae), Labcorp
Classification: Uncertain significance for Arrhythmogenic right ventricular dysplasia 12; Naxos disease. Last evaluated: 2021-10-28. Review status: criteria provided, single submitter. Criteria: Invitae Variant Classification Sherloc (09022015). Collection method: clinical testing. Allele origin: germline.
Comment: This sequence change replaces alanine, which is neutral and non-polar, with glycine, which is neutral and non-polar, at codon 103 of the JUP protein (p.Ala103Gly). This variant is not present in population databases (gnomAD no frequency). This variant has not been reported in the literature in individuals affected with JUP-related conditions. Algorithms developed to predict the effect of missense changes on protein structure and function (SIFT, PolyPhen-2, Align-GVGD) all suggest that this variant is likely to be tolerated. In summary, the available evidence is currently insufficient to determine the role of this variant in disease. Therefore, it has been classified as a Variant of Uncertain Significance.

NM_002230.4(JUP):c.308C>G (p.Ala103Gly)

Gene: JUP (junction plakoglobin; minus strand). Cytogenetic location: 17q21.2.
Variant type: single nucleotide variant.
Coding change: c.308C>G on transcript NM_002230.4 (MANE Select); coding-DNA position 308, C replaced by G.
Protein change: p.Ala103Gly; replaces alanine 103 with glycine.
Molecular consequence: missense variant.
Genome position (GRCh38, 1-based): chr17:41,769,578, G>C on the plus strand (C>G on the coding strand, the complement: JUP is on the minus strand). VCF-style: chr17-41769578-G-C. GRCh37 (hg19) VCF-style: chr17-39925830-G-C.
Other names: c.308C>G, p.Ala103Gly (NM_001352773.2, NM_001352774.2, NM_001352775.2 and 3 more transcripts); short protein forms A103G.
Identifiers: ClinVar variation 1389996 (VCV001389996.3), dbSNP rs2143695852, ClinGen allele CA399505537.
Genomic context (GRCh38, chr17:41,769,578, plus strand): 5'-AGCAGCTGGGACGGCTCGGCCAGTCGCTGCAGGTTGGTGGCCTGCCCCTCCACCTGGGTG[G>C]CCAGCAGAAGCGAGCTGTCCTCGCCTGACACACCAGGGCACATGGCCTCCCGCACCCGTT-3'
Protein context (NP_002221.1, residues 93-113): VSGEDSSLLL[Ala103Gly]TQVEGQATNL